The following is an entry in ClinVar:

NM_172107.4(KCNQ2):c.1141del (p.Ala381fs)

Gene: KCNQ2 (potassium voltage-gated channel subfamily Q member 2; minus strand). Cytogenetic location: 20q13.33.
Variant type: Deletion.
Coding change: c.1141del on transcript NM_172107.4 (MANE Select); coding-DNA position 1141, one base deleted (G; older notation c.1141delG).
Protein change: p.Ala381fs; shifts the reading frame from alanine 381.
Molecular consequence: frameshift variant. On other transcripts: intron variant (1).
Genome position (GRCh38, 1-based): chr20:63,431,347, C deleted on the plus strand (G on the coding strand, the reverse complement: KCNQ2 is on the minus strand); the first of 4 consecutive C bases (chr20:63,431,347-63,431,350); deleting any one gives the same sequence. VCF-style (leftmost placement, unchanged base first): chr20-63431346-GC-G. GRCh37 (hg19) VCF-style: chr20-62062699-GC-G.
Other names: c.1141del, p.Ala381fs (NM_001382235.1, NM_172106.3, NM_172108.5); c.1118+2462del (NM_004518.6); short protein forms A381fs.
Identifiers: ClinVar variation 2711319 (VCV002711319.3), dbSNP rs2080781132, ClinGen allele CA645613677.
Genomic context (GRCh38, chr20:63,431,346, plus strand): 5'-ACACAGAACTAGAACCACACACACACACAGGGCTTCTGTCCATGCATTTCCTACCTGGAG[GC>G]CCCGTAGGTTTGAGTTTGCGAACTTTCAAGTGTTTCCACACACACAAAGGGAAAAGAACG-3'

ClinVar aggregate classification (germline): Pathogenic (1 of 4 stars; one submission).

Conditions:
Early-infantile DEE. Also called: Early infantile epileptic encephalopathy with suppression bursts; Early infantile epileptic encephalopathy; Ohtahara syndrome. Identifiers: Orphanet 1934, MedGen C0393706, MONDO:0800491.

Submission:

Labcorp Genetics (formerly Invitae), Labcorp
Classification: Pathogenic for Early-infantile DEE. Last evaluated: 2023-11-27. Review status: criteria provided, single submitter. Criteria: Invitae Variant Classification Sherloc (09022015). Collection method: clinical testing. Allele origin: germline.
Comment: This sequence change creates a premature translational stop signal (p.Ala381Profs*8) in the KCNQ2 gene. It is expected to result in an absent or disrupted protein product. Loss-of-function variants in KCNQ2 are known to be pathogenic (PMID: 14534157, 23692823, 27779742). This variant is not present in population databases (gnomAD no frequency). This variant has not been reported in the literature in individuals affected with KCNQ2-related conditions. For these reasons, this variant has been classified as Pathogenic.

Literature cited by the submitters: PubMed 14534157; PubMed 23692823; PubMed 27779742.